The following is an entry in ClinVar:

ClinVar aggregate classification (germline): Pathogenic/Likely pathogenic. Review status: criteria provided, multiple submitters, no conflicts (2 of 4 stars). 3 submissions from 3 submitters: Pathogenic (1); Likely pathogenic (1). 1 of the submissions does not count toward it. Last evaluated 2026-04-28.

Conditions:
Spondyloenchondrodysplasia with immune dysregulation (SPENCDI). Also called: SPONDYLOENCHONDRODYSPLASIA WITH OR WITHOUT IMMUNE DYSREGULATION; COMBINED IMMUNODEFICIENCY WITH AUTOIMMUNITY AND SPONDYLOMETAPHYSEAL DYSPLASIA; ROIFMAN IMMUNOSKELETAL SYNDROME. Identifiers: Orphanet 1855, MedGen C1842763, MONDO:0011939, OMIM 607944.

Allele frequency attached by ClinVar (database versions not stated): gnomAD exomes 0.00001; TOPMed 0.00003.
gnomAD v4.1: 11 of 1,613,978 alleles (0.00068%); highest among the groups gnomAD compares: Admixed American, 0.0033%; no homozygotes.

Submissions (3):

Dasa
Classification: Likely pathogenic. Last evaluated: 2026-04-28. Review status: criteria provided, single submitter. Criteria: DASA Assertion Criteria. Collection method: clinical testing. Allele origin: germline.
Comment: NM_001611.5(ACP5):c.791T>A (p.Met264Lys) is a missense variant that results in the substitution of methionine with lysine. This variant has been recurrently observed in individuals with ACP5-related disorders (PMID: 21217755; PMID: 27390188; PMID: 37382551). Functional evidence supports an impact on the gene or gene product. Also, this variant is rare in population databases. Based on the currently available evidence, this variant is classified as likely pathogenic.

Labcorp Genetics (formerly Invitae), Labcorp
Classification: Pathogenic for Spondyloenchondrodysplasia with immune dysregulation. Last evaluated: 2024-09-18. Review status: criteria provided, single submitter. Criteria: Invitae Variant Classification Sherloc (09022015). Collection method: clinical testing. Allele origin: germline.
Comment: This sequence change replaces methionine, which is neutral and non-polar, with lysine, which is basic and polar, at codon 264 of the ACP5 protein (p.Met264Lys). This variant is present in population databases (rs387906670, gnomAD 0.002%). This missense change has been observed in individuals with clinical features of ACP5-related conditions (PMID: 21217755, 27390188, 37382551). ClinVar contains an entry for this variant (Variation ID: 29831). Invitae Evidence Modeling of protein sequence and biophysical properties (such as structural, functional, and spatial information, amino acid conservation, physicochemical variation, residue mobility, and thermodynamic stability) indicates that this missense variant is not expected to disrupt ACP5 protein function with a negative predictive value of 80%. Experimental studies have shown that this missense change affects ACP5 function (PMID: 27390188, 32214327). For these reasons, this variant has been classified as Pathogenic.

OMIM
Classification: Pathogenic for SPONDYLOENCHONDRODYSPLASIA WITH IMMUNE DYSREGULATION. Last evaluated: 2011-02-01. Review status: no assertion criteria provided. Collection method: literature only. Allele origin: germline. Not counted in ClinVar's aggregate classification.

Literature cited by the submitters: PubMed 21217755 (cited by 3 submitters); PubMed 27390188 (cited by Dasa and Labcorp Genetics (formerly Invitae), Labcorp); PubMed 37382551 (cited by Dasa and Labcorp Genetics (formerly Invitae), Labcorp); PubMed 32214327 (cited by Dasa and Labcorp Genetics (formerly Invitae), Labcorp); PubMed 12786759 (cited by OMIM).

NM_001611.5(ACP5):c.791T>A (p.Met264Lys)

Gene: ACP5 (acid phosphatase 5, tartrate resistant; minus strand). Cytogenetic location: 19p13.2.
Variant type: single nucleotide variant.
Coding change: c.791T>A on transcript NM_001611.5 (MANE Select); coding-DNA position 791, T replaced by A.
Protein change: p.Met264Lys; replaces methionine 264 with lysine.
Molecular consequence: missense variant.
Genome position (GRCh38, 1-based): chr19:11,575,197, A>T on the plus strand (T>A on the coding strand, the complement: ACP5 is on the minus strand). VCF-style: chr19-11575197-A-T. GRCh37 (hg19) VCF-style: chr19-11686012-A-T.
Other names: c.791T>A, p.Met264Lys (NM_001111034.3, NM_001111035.3, NM_001111036.3 and 2 more transcripts); short protein forms M264K.
Identifiers: ClinVar variation 29831 (VCV000029831.11), dbSNP rs387906670, ClinGen allele CA128678.
Genomic context (GRCh38, chr19:11,575,197, plus strand): 5'-CCATAGTGGAAGCGCAGATAGCCGTTGGGGACCTTGCGCTGGTGCCGCTTTGAGGGGTCC[A>T]TGAAATTCCCAGCCCCACTCAGCACGTAGCCCACGCCATTCTCATCTTGCAGGTACTGAG-3'
Protein context (NP_001602.1, residues 254-274): GYVLSGAGNF[Met264Lys]DPSKRHQRKV